The following is an entry in ClinVar:

NM_006371.5(CRTAP):c.756G>C (p.Glu252Asp)

Gene: CRTAP (cartilage associated protein; plus strand). Cytogenetic location: 3p22.3.
Variant type: single nucleotide variant.
Coding change: c.756G>C on transcript NM_006371.5 (MANE Select); coding-DNA position 756, G replaced by C.
Protein change: p.Glu252Asp; replaces glutamic acid 252 with aspartic acid.
Molecular consequence: missense variant.
Genome position (GRCh38, 1-based): chr3:33,124,542, G>C. VCF-style: chr3-33124542-G-C. GRCh37 (hg19) VCF-style: chr3-33166034-G-C.
Other names: c.756G>C, p.Glu252Asp (NM_001393363.1, NM_001393364.1); c.606G>C, p.Glu202Asp (NM_001393365.1); short protein forms E252D, E202D.
Identifiers: ClinVar variation 344810 (VCV000344810.9), dbSNP rs116519163, ClinGen allele CA2300378.
Genomic context (GRCh38, chr3:33,124,542, plus strand): 5'-CCTTCCCGACTTCTTCAAAGCCTTTTACGAGTGTCTCGCAGCCTGCGAGGGTTCCAGGGA[G>C]ATCAAGGACTTCAAGGATTTCTACCTTTCCATAGCAGGTTGGTGGTAGGTCAATAGGCTC-3'
Protein context (NP_006362.1, residues 242-262): ECLAACEGSR[Glu252Asp]IKDFKDFYLS

ClinVar aggregate classification (germline): Uncertain significance. Review status: criteria provided, multiple submitters, no conflicts (2 of 4 stars). 3 submissions from 3 submitters: Uncertain significance (3). Last evaluated 2025-08-03.

Conditions:
Osteogenesis imperfecta type 7 (OI7). Also called: OI type 7; OI type VII; OSTEOGENESIS IMPERFECTA, TYPE IIB; Osteogenesis imperfecta type 2B; OI type 2B; Osteogenesis imperfecta, perinatal lethal autosomal recessive. Identifiers: MedGen C1853162, MONDO:0012536, OMIM 610682.
Inborn genetic diseases. Identifiers: MedGen C0950123, MeSH D030342.

Allele frequency attached by ClinVar (database versions not stated): TOPMed 0.00002.
gnomAD v4.1: 28 of 1,614,122 alleles (0.0017%); highest among the groups gnomAD compares: Non-Finnish European, 0.0023%; no homozygotes.

Submissions (3):

Ambry Genetics
Classification: Uncertain significance for Inborn genetic diseases. Last evaluated: 2025-08-03. Review status: criteria provided, single submitter. Criteria: Ambry Variant Classification Scheme 2023. Collection method: clinical testing. Allele origin: germline.

Labcorp Genetics (formerly Invitae), Labcorp
Classification: Uncertain significance for Osteogenesis imperfecta type 7. Last evaluated: 2022-10-13. Review status: criteria provided, single submitter. Criteria: Invitae Variant Classification Sherloc (09022015). Collection method: clinical testing. Allele origin: germline.
Comment: This sequence change replaces glutamic acid, which is acidic and polar, with aspartic acid, which is acidic and polar, at codon 252 of the CRTAP protein (p.Glu252Asp). This variant is present in population databases (rs116519163, gnomAD 0.004%). This variant has not been reported in the literature in individuals affected with CRTAP-related conditions. ClinVar contains an entry for this variant (Variation ID: 344810). Advanced modeling of protein sequence and biophysical properties (such as structural, functional, and spatial information, amino acid conservation, physicochemical variation, residue mobility, and thermodynamic stability) performed at Invitae indicates that this missense variant is not expected to disrupt CRTAP protein function. In summary, the available evidence is currently insufficient to determine the role of this variant in disease. Therefore, it has been classified as a Variant of Uncertain Significance.

Illumina Laboratory Services, Illumina
Classification: Uncertain significance for Osteogenesis imperfecta type 7. Last evaluated: 2018-01-13. Review status: criteria provided, single submitter. Criteria: ICSL Variant Classification Criteria 13 December 2019. Collection method: clinical testing. Allele origin: germline.